The following is an entry in ClinVar:

ClinVar aggregate classification (germline): Uncertain significance. Review status: criteria provided, multiple submitters, no conflicts (2 of 4 stars). 2 submissions from 2 submitters: Uncertain significance (2). Last evaluated 2026-01-24.

Conditions:
Brugada syndrome 8 (BRGDA8). Identifiers: Orphanet 130, MedGen C2751083, MONDO:0013148, OMIM 613123.
Cardiovascular phenotype. Identifiers: MedGen CN230736.

gnomAD v4.1: 2 of 1,505,232 alleles (0.00013%); highest among the groups gnomAD compares: Non-Finnish European, 0.00018%; no homozygotes.

Submissions (2):

Labcorp Genetics (formerly Invitae), Labcorp
Classification: Uncertain significance for Brugada syndrome 8. Last evaluated: 2026-01-24. Review status: criteria provided, single submitter. Criteria: Invitae Variant Classification Sherloc (09022015). Collection method: clinical testing. Allele origin: germline.
Comment: This sequence change replaces proline, which is neutral and non-polar, with leucine, which is neutral and non-polar, at codon 54 of the HCN4 protein (p.Pro54Leu). This variant is not present in population databases (gnomAD no frequency). This missense change has been observed in individual(s) with HCN4-related conditions (PMID: 35352813). ClinVar contains an entry for this variant (Variation ID: 3700708). Invitae Evidence Modeling of protein sequence and biophysical properties (such as structural, functional, and spatial information, amino acid conservation, physicochemical variation, residue mobility, and thermodynamic stability) indicates that this missense variant is not expected to disrupt HCN4 protein function with a negative predictive value of 95%. In summary, the available evidence is currently insufficient to determine the role of this variant in disease. Therefore, it has been classified as a Variant of Uncertain Significance.

Molecular Diagnostic Laboratory for Inherited Cardiovascular Disease, Montreal Heart Institute
Classification: Uncertain significance for Cardiovascular phenotype. Last evaluated: 2025-04-09. Review status: criteria provided, single submitter. Criteria: ACMG Guidelines, 2015. Collection method: clinical testing. Allele origin: germline. Affected: yes.

Literature cited by the submitters: PubMed 35352813 (cited by Labcorp Genetics (formerly Invitae), Labcorp).

NM_005477.3(HCN4):c.161C>T (p.Pro54Leu)

Gene: HCN4 (hyperpolarization activated cyclic nucleotide gated potassium channel 4; minus strand). Cytogenetic location: 15q24.1.
Variant type: single nucleotide variant.
Coding change: c.161C>T on transcript NM_005477.3 (MANE Select); coding-DNA position 161, C replaced by T.
Protein change: p.Pro54Leu; replaces proline 54 with leucine.
Molecular consequence: missense variant.
Genome position (GRCh38, 1-based): chr15:73,368,110, G>A on the plus strand (C>T on the coding strand, the complement: HCN4 is on the minus strand). VCF-style: chr15-73368110-G-A. GRCh37 (hg19) VCF-style: chr15-73660451-G-A.
Other names: c.161C>T (NM_005477.2); short protein forms P54L.
Identifiers: ClinVar variation 3700708 (VCV003700708.3).
Genomic context (GRCh38, chr15:73,368,110, plus strand): 5'-GCCCCGAGGGCCGAGCTCCGGGACTCCGTGCCACCCGCGGCCGCCGAGGGGGAGGGCGAG[G>A]GCAGTGGCCGCAGCCGGATGCTCCTGCGGCTGGGGTCTTGGCGGCCCCCGGCCCCCTCCT-3'
Protein context (NP_005468.1, residues 44-64): SRRSIRLRPL[Pro54Leu]SPSPSAAAGG